The following is an entry in ClinVar:

ClinVar aggregate classification (germline): Uncertain significance (1 of 4 stars; one submission).

Conditions:
Cardiovascular phenotype. Identifiers: MedGen CN230736.

Allele frequency attached by ClinVar (database versions not stated): gnomAD exomes below 0.00001.
gnomAD v4.1: 1 of 1,614,124 alleles (0.000062%); highest among the groups gnomAD compares: Non-Finnish European, 0.000085%; no homozygotes.

Submission:

Ambry Genetics
Classification: Uncertain significance for Cardiovascular phenotype. Last evaluated: 2025-01-20. Review status: criteria provided, single submitter. Criteria: Ambry Variant Classification Scheme 2023. Collection method: clinical testing. Allele origin: germline.
Comment: The p.K115E variant (also known as c.343A>G), located in coding exon 3 of the TBX5 gene, results from an A to G substitution at nucleotide position 343. The lysine at codon 115 is replaced by glutamic acid, an amino acid with similar properties. This amino acid position is highly conserved in available vertebrate species. In addition, this alteration is predicted to be deleterious by in silico analysis. Based on the available evidence, the clinical significance of this variant remains unclear.

NM_181486.4(TBX5):c.343A>G (p.Lys115Glu)

Gene: TBX5 (T-box transcription factor 5; minus strand). Cytogenetic location: 12q24.21.
Variant type: single nucleotide variant.
Coding change: c.343A>G on transcript NM_181486.4 (MANE Select); coding-DNA position 343, A replaced by G.
Protein change: p.Lys115Glu; replaces lysine 115 with glutamic acid.
Molecular consequence: missense variant.
Genome position (GRCh38, 1-based): chr12:114,399,532, T>C on the plus strand (A>G on the coding strand, the complement: TBX5 is on the minus strand). VCF-style: chr12-114399532-T-C. GRCh37 (hg19) VCF-style: chr12-114837337-T-C.
Other names: c.343A>G, p.Lys115Glu (NM_000192.3); c.193A>G, p.Lys65Glu (NM_080717.4); short protein forms K115E, K65E.
Identifiers: ClinVar variation 1731439 (VCV001731439.3), dbSNP rs2540472679, ClinGen allele CA386862529.
Genomic context (GRCh38, chr12:114,399,532, plus strand): 5'-CTTTTCTCTCTCCCCGCTCCACCTGCCACCCCAGTGCCTACCATTTATTATCTGCGAATT[T>C]GTATCTGTGATCGTCGGCAGGTACAATGTCCATGAGAAGAATGTACTTCGTTTTGGGATT-3'
Protein context (NP_852259.1, residues 105-125): DIVPADDHRY[Lys115Glu]FADNKWSVTG